The following is an entry in ClinVar:

ClinVar aggregate classification (germline): Likely pathogenic (1 of 4 stars; one submission).

Conditions:
Alport syndrome. Also called: Hemorrhagic familial nephritis; Hemorrhagic hereditary nephritis; Congenital hereditary hematuria. Identifiers: Orphanet 63, MedGen C1567741, MONDO:0018965.

gnomAD v4.1: 16 of 1,612,184 alleles (0.00099%); highest among the groups gnomAD compares: African/African-American, 0.0013%; no homozygotes.

Submission:

Natera, Inc.
Classification: Likely pathogenic for Alport syndrome. Last evaluated: 2025-09-09. Review status: criteria provided, single submitter. Criteria: Natera Variant Classification Schema (03/2026). Collection method: clinical testing. Allele origin: germline.
Comment: The c.871G>A variant in COL4A4 is a missense variant predicted to cause substitution of glycine to arginine at amino acid 291. This variant is rare in the general population with a frequency below the threshold expected for the associated phenotype(s). This variant is located in a functionally critical region of the protein. Computational prediction algorithms indicate this variant is likely to affect gene or protein function. Given the available evidence, this variant is classified as Likely Pathogenic.

NM_000092.5(COL4A4):c.871G>A (p.Gly291Arg)

Gene: COL4A4 (collagen type IV alpha 4 chain; minus strand). Cytogenetic location: 2q36.3.
Variant type: single nucleotide variant.
Coding change: c.871G>A on transcript NM_000092.5 (MANE Select); coding-DNA position 871, G replaced by A.
Protein change: p.Gly291Arg; replaces glycine 291 with arginine.
Molecular consequence: missense variant.
Genome position (GRCh38, 1-based): chr2:227,102,848, C>T on the plus strand (G>A on the coding strand, the complement: COL4A4 is on the minus strand). VCF-style: chr2-227102848-C-T. GRCh37 (hg19) VCF-style: chr2-227967564-C-T.
Other names: short protein forms G291R.
Identifiers: ClinVar variation 4817351 (VCV004817351.1).